The following is an entry in ClinVar:

ClinVar aggregate classification (germline): Uncertain significance (1 of 4 stars; one submission).

Conditions:
Primary dilated cardiomyopathy (DCM). Also called: Dilated Cardiomyopathy. Identifiers: Orphanet 217604, MedGen C0007193, MeSH D002311, MONDO:0005021, HP:0001644. Inheritance: Various modes of inheritance.

Submission:

Labcorp Genetics (formerly Invitae), Labcorp
Classification: Uncertain significance for Primary dilated cardiomyopathy. Last evaluated: 2020-02-18. Review status: criteria provided, single submitter. Criteria: Invitae Variant Classification Sherloc (09022015). Collection method: clinical testing. Allele origin: germline.
Comment: In summary, the available evidence is currently insufficient to determine the role of this variant in disease. Therefore, it has been classified as a Variant of Uncertain Significance. This sequence change replaces glutamine with arginine at codon 445 of the TXNRD2 protein (p.Gln445Arg). The glutamine residue is highly conserved and there is a small physicochemical difference between glutamine and arginine. This variant is not present in population databases (ExAC no frequency). This variant has not been reported in the literature in individuals with TXNRD2-related conditions. Algorithms developed to predict the effect of missense changes on protein structure and function (SIFT, PolyPhen-2, Align-GVGD) all suggest that this variant is likely to be tolerated, but these predictions have not been confirmed by published functional studies and their clinical significance is uncertain.

NM_006440.5(TXNRD2):c.1334A>G (p.Gln445Arg)

Gene: TXNRD2 (thioredoxin reductase 2; minus strand). Cytogenetic location: 22q11.21.
Variant type: single nucleotide variant.
Coding change: c.1334A>G on transcript NM_006440.5 (MANE Select); coding-DNA position 1334, A replaced by G.
Protein change: p.Gln445Arg; replaces glutamine 445 with arginine.
Molecular consequence: missense variant. On other transcripts: non-coding transcript variant (1).
Genome position (GRCh38, 1-based): chr22:19,878,379, T>C on the plus strand (A>G on the coding strand, the complement: TXNRD2 is on the minus strand). VCF-style: chr22-19878379-T-C. GRCh37 (hg19) VCF-style: chr22-19865902-T-C.
Other names: c.1331A>G, p.Gln444Arg (NM_001352300.2); c.1244A>G, p.Gln415Arg (NM_001352301.2); c.1046A>G, p.Gln349Arg (NM_001352302.2); short protein forms Q349R, Q415R, Q444R, Q445R.
Identifiers: ClinVar variation 1003489 (VCV001003489.7), dbSNP rs1938606140, ClinGen allele CA410692142.